The following is an entry in ClinVar:

ClinVar aggregate classification (germline): Uncertain significance (1 of 4 stars; one submission).

Allele frequency attached by ClinVar (database versions not stated): gnomAD exomes below 0.00001.
gnomAD v4.1: 1 of 1,614,218 alleles (0.000062%); highest among the groups gnomAD compares: Non-Finnish European, 0.000085%; no homozygotes.

Submission:

Labcorp Genetics (formerly Invitae), Labcorp
Classification: Uncertain significance. Last evaluated: 2022-08-10. Review status: criteria provided, single submitter. Criteria: Invitae Variant Classification Sherloc (09022015). Collection method: clinical testing. Allele origin: germline.
Comment: In summary, the available evidence is currently insufficient to determine the role of this variant in disease. Therefore, it has been classified as a Variant of Uncertain Significance. Algorithms developed to predict the effect of missense changes on protein structure and function (SIFT, PolyPhen-2, Align-GVGD) all suggest that this variant is likely to be disruptive. This variant has not been reported in the literature in individuals affected with IGF1R-related conditions. This variant is not present in population databases (gnomAD no frequency). This sequence change replaces tyrosine, which is neutral and polar, with histidine, which is basic and polar, at codon 1251 of the IGF1R protein (p.Tyr1251His).

NM_000875.5(IGF1R):c.3751T>C (p.Tyr1251His)

Gene: IGF1R (insulin like growth factor 1 receptor; plus strand). Cytogenetic location: 15q26.3.
Variant type: single nucleotide variant.
Coding change: c.3751T>C on transcript NM_000875.5 (MANE Select); coding-DNA position 3751, T replaced by C.
Protein change: p.Tyr1251His; replaces tyrosine 1251 with histidine.
Molecular consequence: missense variant.
Genome position (GRCh38, 1-based): chr15:98,957,089, T>C. VCF-style: chr15-98957089-T-C. GRCh37 (hg19) VCF-style: chr15-99500318-T-C.
Other names: c.3748T>C, p.Tyr1250His (NM_001291858.2); short protein forms Y1250H, Y1251H.
Identifiers: ClinVar variation 1714739 (VCV001714739.5), dbSNP rs2506112799, ClinGen allele CA393667819.